The following is an entry in ClinVar:

ClinVar aggregate classification (germline): Conflicting classifications of pathogenicity. Review status: criteria provided, conflicting classifications (1 of 4 stars). 2 submissions from 2 submitters: Uncertain significance (1); Likely benign (1). Last evaluated 2025-05-26.

Conditions:
Inborn genetic diseases. Identifiers: MedGen C0950123, MeSH D030342.

Allele frequency attached by ClinVar (database versions not stated): ExAC 0.00001; gnomAD 0.00001.
gnomAD v4.1: 15 of 1,614,046 alleles (0.00093%); highest among the groups gnomAD compares: South Asian, 0.0033%; no homozygotes.

Submissions (2):

Ambry Genetics
Classification: Likely benign for Inborn genetic diseases. Last evaluated: 2025-05-26. Review status: criteria provided, single submitter. Criteria: Ambry Variant Classification Scheme 2023. Collection method: clinical testing. Allele origin: germline.

Labcorp Genetics (formerly Invitae), Labcorp
Classification: Uncertain significance. Last evaluated: 2022-08-02. Review status: criteria provided, single submitter. Criteria: Invitae Variant Classification Sherloc (09022015). Collection method: clinical testing. Allele origin: germline.
Comment: In summary, the available evidence is currently insufficient to determine the role of this variant in disease. Therefore, it has been classified as a Variant of Uncertain Significance. Algorithms developed to predict the effect of missense changes on protein structure and function output the following: SIFT: "Tolerated"; PolyPhen-2: "Benign"; Align-GVGD: "Class C0". The leucine amino acid residue is found in multiple mammalian species, which suggests that this missense change does not adversely affect protein function. This variant has not been reported in the literature in individuals affected with CEP63-related conditions. This variant is present in population databases (rs765783970, gnomAD 0.003%). This sequence change replaces serine, which is neutral and polar, with leucine, which is neutral and non-polar, at codon 586 of the CEP63 protein (p.Ser586Leu).

NM_001353108.3(CEP63):c.1757C>T (p.Ser586Leu)

Gene: CEP63 (centrosomal protein 63; plus strand). Cytogenetic location: 3q22.2.
Variant type: single nucleotide variant.
Coding change: c.1757C>T on transcript NM_001353108.3 (MANE Select); coding-DNA position 1757, C replaced by T.
Protein change: p.Ser586Leu; replaces serine 586 with leucine.
Molecular consequence: missense variant. On other transcripts: non-coding transcript variant (3), intron variant (17).
Genome position (GRCh38, 1-based): chr3:134,559,233, C>T. VCF-style: chr3-134559233-C-T. GRCh37 (hg19) VCF-style: chr3-134278075-C-T.
Other names: c.1757C>T (NM_025180.3); c.1619C>T, p.Ser540Leu (NM_001353109.1); c.1757C>T, p.Ser586Leu (NM_025180.5); c.1467+7221C>T (NM_001353113.1, NM_001353117.2); c.1329+7221C>T (NM_001042384.2, NM_001353124.2, NM_001353123.2); c.1330-2144C>T (NM_001353122.1, NM_001042383.2, NM_001353121.2 and 2 more transcripts); c.1468-2144C>T (NM_001353110.1, NM_001353112.2, NM_001353111.2 and 1 more transcripts); c.1357-2144C>T (NM_001353118.1); and 2 more; short protein forms S540L, S586L.
Identifiers: ClinVar variation 1923966 (VCV001923966.6), dbSNP rs765783970, ClinGen allele CA2628781.